The following is an entry in ClinVar:

ClinVar aggregate classification (germline): Pathogenic (1 of 4 stars; one submission).

Conditions:
Hypophosphatasia. Also called: Phosphoethanol-aminuria. Identifiers: Orphanet 436, MedGen C0020630, MeSH D007014, MONDO:0018570.

Submission:

Genomenon, Inc
Classification: Pathogenic for Hypophosphatasia. Last evaluated: 2025-08-29. Review status: criteria provided, single submitter. Criteria: Genomenon Sequence Variant Interpretation Standards. Collection method: curation. Allele origin: germline. Affected: yes.
Comment: ALPL c.85T>C is a missense variant that changes the amino acid at residue 29 from Tryptophan to Arginine. This variant has been observed in at least one proband affected with hypophosphatasia (PMID:28586049). This variant has been observed in trans with a pathogenic variant (PMID:28586049). At least one functional study has demonstrated a substantial alteration in protein function relative to the wild-type (PMID:28586049). It is absent or not present at a significant frequency in gnomAD. In silico models agree that this variant is possibly or probably damaging. In conclusion, we classify ALPL p.Trp29Arg (c.85T>C) as a pathogenic variant.

Literature cited by the submitters: PubMed 28586049.

NM_000478.6(ALPL):c.85T>C (p.Trp29Arg)

Gene: ALPL (alkaline phosphatase, biomineralization associated; plus strand). Cytogenetic location: 1p36.12.
Variant type: single nucleotide variant.
Coding change: c.85T>C on transcript NM_000478.6 (MANE Select); coding-DNA position 85, T replaced by C.
Protein change: p.Trp29Arg; replaces tryptophan 29 with arginine.
Molecular consequence: missense variant. On other transcripts: 5 prime UTR variant (2).
Genome position (GRCh38, 1-based): chr1:21,560,649, T>C. VCF-style: chr1-21560649-T-C. GRCh37 (hg19) VCF-style: chr1-21887142-T-C.
Other names: c.-81T>C (NM_001127501.4); c.-31T>C (NM_001177520.3); c.85T>C, p.Trp29Arg (NM_001369803.2, NM_001369804.2, NM_001369805.2); short protein forms W29R.
Identifiers: ClinVar variation 4086817 (VCV004086817.1).